The following is an entry in ClinVar:

ClinVar aggregate classification (germline): Uncertain significance (1 of 4 stars; one submission).

Submission:

Ambry Genetics
Classification: Uncertain significance. Last evaluated: 2021-12-31. Review status: criteria provided, single submitter. Criteria: Ambry Variant Classification Scheme 2023. Collection method: clinical testing. Allele origin: germline.
Comment: The p.I113L variant (also known as c.337A>C), located in coding exon 1 of the PALLD gene, results from an A to C substitution at nucleotide position 337. The isoleucine at codon 113 is replaced by leucine, an amino acid with highly similar properties. This amino acid position is conserved. In addition, this alteration is predicted to be tolerated by in silico analysis. Since supporting evidence is limited at this time, the clinical significance of this alteration remains unclear.

NM_001166108.2(PALLD):c.337A>C (p.Ile113Leu)

Gene: PALLD (palladin, cytoskeletal associated protein; plus strand). Cytogenetic location: 4q32.3.
Variant type: single nucleotide variant.
Coding change: c.337A>C on transcript NM_001166108.2 (MANE Select); coding-DNA position 337, A replaced by C.
Protein change: p.Ile113Leu; replaces isoleucine 113 with leucine.
Molecular consequence: missense variant.
Genome position (GRCh38, 1-based): chr4:168,511,841, A>C. VCF-style: chr4-168511841-A-C. GRCh37 (hg19) VCF-style: chr4-169432992-A-C.
Other names: c.337A>C, p.Ile113Leu (NM_016081.4); short protein forms I113L.
Identifiers: ClinVar variation 1730792 (VCV001730792.2), dbSNP rs2531430855, ClinGen allele CA358725444.